The following is an entry in ClinVar:

NM_018076.5(ODAD2):c.2981C>G (p.Ala994Gly)

Gene: ODAD2 (outer dynein arm docking complex subunit 2; minus strand). Cytogenetic location: 10p12.1.
Variant type: single nucleotide variant.
Coding change: c.2981C>G on transcript NM_018076.5 (MANE Select); coding-DNA position 2981, C replaced by G.
Protein change: p.Ala994Gly; replaces alanine 994 with glycine.
Molecular consequence: missense variant.
Genome position (GRCh38, 1-based): chr10:27,860,665, G>C on the plus strand (C>G on the coding strand, the complement: ODAD2 is on the minus strand). VCF-style: chr10-27860665-G-C. GRCh37 (hg19) VCF-style: chr10-28149594-G-C.
Other names: c.2981C>G, p.Ala994Gly (NM_001290020.2); c.1556C>G, p.Ala519Gly (NM_001290021.2); c.2057C>G, p.Ala686Gly (NM_001312689.2); short protein forms A519G, A686G, A994G.
Identifiers: ClinVar variation 3203987 (VCV003203987.2), dbSNP rs2491937747, ClinGen allele CA376492001.

ClinVar aggregate classification (germline): Uncertain significance (1 of 4 stars; one submission).

Conditions:
Primary ciliary dyskinesia. Also called: Ciliary dyskinesia. Identifiers: Orphanet 244, MedGen C0008780, MONDO:0016575, HP:0012265.

Submission:

Ambry Genetics
Classification: Uncertain significance for Primary ciliary dyskinesia. Last evaluated: 2025-01-04. Review status: criteria provided, single submitter. Criteria: Ambry Variant Classification Scheme 2023. Collection method: clinical testing. Allele origin: germline.
Comment: The p.A994G variant (also known as c.2981C>G), located in coding exon 18 of the ARMC4 gene, results from a C to G substitution at nucleotide position 2981. The alanine at codon 994 is replaced by glycine, an amino acid with similar properties. This amino acid position is conserved. In addition, the in silico prediction for this alteration is inconclusive. Based on the available evidence, the clinical significance of this variant remains unclear.